The following is an entry in ClinVar:

NM_198578.4(LRRK2):c.6191A>G (p.Tyr2064Cys)

Gene: LRRK2 (leucine rich repeat kinase 2; plus strand). Cytogenetic location: 12q12.
Variant type: single nucleotide variant.
Coding change: c.6191A>G on transcript NM_198578.4 (MANE Select); coding-DNA position 6191, A replaced by G.
Protein change: p.Tyr2064Cys; replaces tyrosine 2064 with cysteine.
Molecular consequence: missense variant.
Genome position (GRCh38, 1-based): chr12:40,346,834, A>G. VCF-style: chr12-40346834-A-G. GRCh37 (hg19) VCF-style: chr12-40740636-A-G.
Other names: short protein forms Y2064C.
Identifiers: ClinVar variation 2447277 (VCV002447277.2), dbSNP rs1159812449, ClinGen allele CA384405509.
Genomic context (GRCh38, chr12:40,346,834, plus strand): 5'-CCAGAGGAAATGTCATTTATAACCAACAGGCTGATGTTTATTCATTTGGTTTACTACTCT[A>G]TGACATTTTGACAACTGGAGGTAGAATAGTAGAGGGTTTGAAGTTTCCAAATGAGTTTGA-3'
Protein context (NP_940980.4, residues 2054-2074): ADVYSFGLLL[Tyr2064Cys]DILTTGGRIV

ClinVar aggregate classification (germline): Uncertain significance (1 of 4 stars; one submission).

Conditions:
Inborn genetic diseases. Identifiers: MedGen C0950123, MeSH D030342.

Allele frequency attached by ClinVar (database versions not stated): gnomAD exomes below 0.00001.
gnomAD v4.1: 3 of 1,613,898 alleles (0.00019%); highest among the groups gnomAD compares: African/African-American, 0.0013%; no homozygotes.

Submission:

Ambry Genetics
Classification: Uncertain significance for Inborn genetic diseases. Last evaluated: 2023-02-27. Review status: criteria provided, single submitter. Criteria: Ambry Variant Classification Scheme 2023. Collection method: clinical testing. Allele origin: germline.
Comment: The p.Y2064C variant (also known as c.6191A>G), located in coding exon 42 of the LRRK2 gene, results from an A to G substitution at nucleotide position 6191. The tyrosine at codon 2064 is replaced by cysteine, an amino acid with highly dissimilar properties. This amino acid position is conserved. In addition, this alteration is predicted to be deleterious by in silico analysis. Since supporting evidence is limited at this time, the clinical significance of this alteration remains unclear.